The following is an entry in ClinVar:

ClinVar aggregate classification (germline): Benign (0 of 4 stars; one submission).

Conditions:
UNC79-related disorder. Also called: UNC79-related condition.

Allele frequency attached by ClinVar (database versions not stated): ESP Exome Variant Server 0.00546; gnomAD 0.00600; TOPMed 0.00601; 1000 Genomes Project 30x 0.00640; 1000 Genomes Project 0.00679; ExAC 0.00691; gnomAD exomes 0.00704.
gnomAD v4.1: 11,309 of 1,614,154 alleles (0.7%); highest among the groups gnomAD compares: Middle Eastern, 4.5%; 66 homozygotes.

Submission:

PreventionGenetics, part of Exact Sciences
Classification: Benign for UNC79-related condition. Last evaluated: 2024-08-09. Review status: no assertion criteria provided. Collection method: clinical testing. Allele origin: germline.
Comment: This variant is classified as benign based on ACMG/AMP sequence variant interpretation guidelines (Richards et al. 2015 PMID: 25741868, with internal and published modifications).

NM_001395159.1(UNC79):c.3678C>T (p.Ser1226=)

Gene: UNC79 (unc-79 homolog, NALCN channel complex subunit; plus strand). Cytogenetic location: 14q32.12.
Variant type: single nucleotide variant.
Coding change: c.3678C>T on transcript NM_001395159.1 (MANE Select); coding-DNA position 3678, C replaced by T.
Protein change: p.Ser1226=; no amino-acid change (serine 1226 retained).
Molecular consequence: synonymous variant.
Genome position (GRCh38, 1-based): chr14:93,603,342, C>T. VCF-style: chr14-93603342-C-T. GRCh37 (hg19) VCF-style: chr14-94069688-C-T.
Other names: c.3678C>T, p.Ser1226= (NM_001346218.2); c.3147C>T, p.Ser1049= (NM_020818.5).
Identifiers: ClinVar variation 3056729 (VCV003056729.2), dbSNP rs76171275, ClinGen allele CA7321906.